The following is an entry in ClinVar:

ClinVar aggregate classification (germline): Uncertain significance (1 of 4 stars; one submission).

Conditions:
Early-infantile DEE. Also called: Ohtahara syndrome; Early infantile epileptic encephalopathy; Early infantile epileptic encephalopathy with suppression bursts. Identifiers: Orphanet 1934, MedGen C0393706, MONDO:0800491.

Submission:

Labcorp Genetics (formerly Invitae), Labcorp
Classification: Uncertain significance for Early-infantile DEE. Last evaluated: 2024-03-22. Review status: criteria provided, single submitter. Criteria: Invitae Variant Classification Sherloc (09022015). Collection method: clinical testing. Allele origin: germline.
Comment: This sequence change replaces lysine, which is basic and polar, with arginine, which is basic and polar, at codon 562 of the SCN8A protein (p.Lys562Arg). This variant is not present in population databases (gnomAD no frequency). This variant has not been reported in the literature in individuals affected with SCN8A-related conditions. Advanced modeling of protein sequence and biophysical properties (such as structural, functional, and spatial information, amino acid conservation, physicochemical variation, residue mobility, and thermodynamic stability) performed at Invitae indicates that this missense variant is not expected to disrupt SCN8A protein function with a negative predictive value of 95%. In summary, the available evidence is currently insufficient to determine the role of this variant in disease. Therefore, it has been classified as a Variant of Uncertain Significance.

NM_001330260.2(SCN8A):c.1685A>G (p.Lys562Arg)

Gene: SCN8A (sodium voltage-gated channel alpha subunit 8; plus strand). Cytogenetic location: 12q13.13.
Variant type: single nucleotide variant.
Coding change: c.1685A>G on transcript NM_001330260.2 (MANE Select); coding-DNA position 1685, A replaced by G.
Protein change: p.Lys562Arg; replaces lysine 562 with arginine.
Molecular consequence: missense variant.
Genome position (GRCh38, 1-based): chr12:51,721,595, A>G. VCF-style: chr12-51721595-A-G. GRCh37 (hg19) VCF-style: chr12-52115379-A-G.
Other names: c.1685A>G, p.Lys562Arg (NM_001177984.3, NM_001369788.1, NM_014191.4); short protein forms K562R.
Identifiers: ClinVar variation 3666056 (VCV003666056.2).
Genomic context (GRCh38, chr12:51,721,595, plus strand): 5'-TGCCCCTGCAGTCACTGCTCAGCATCCCAGGCTCGCCCTTCCTCTCCCGCCACAACAGCA[A>G]GAGCAGCATCTTCAGTTTCAGGGGACCTGGGCGGTTCCGAGACCCGGGCTCCGAGAATGA-3'
Protein context (NP_001317189.1, residues 552-572): GSPFLSRHNS[Lys562Arg]SSIFSFRGPG